The following is an entry in ClinVar:

NM_017802.4(DNAAF5):c.287C>T (p.Ala96Val)

Genes: DNAAF5 (dynein axonemal assembly factor 5; plus strand), PRKAR1B (protein kinase cAMP-dependent type I regulatory subunit beta; minus strand). Cytogenetic location: 7p22.3.
Variant type: single nucleotide variant.
Coding change: c.287C>T on transcript NM_017802.4 (MANE Select); coding-DNA position 287, C replaced by T.
Protein change: p.Ala96Val; replaces alanine 96 with valine.
Molecular consequence: missense variant. On other transcripts: non-coding transcript variant (1), intron variant (3).
Genome position (GRCh38, 1-based): chr7:727,007, C>T. VCF-style: chr7-727007-C-T. GRCh37 (hg19) VCF-style: chr7-766644-C-T.
Other names: c.-23+648G>A (NM_001164759.1); c.-23+583G>A (NM_001164758.2); c.-23+203G>A (NM_001164760.2); short protein forms A96V.
Identifiers: ClinVar variation 2543831 (VCV002543831.3), dbSNP rs1006238830, ClinGen allele CA152333413.

ClinVar aggregate classification (germline): Uncertain significance. Review status: criteria provided, multiple submitters, no conflicts (2 of 4 stars). 2 submissions from 2 submitters: Uncertain significance (2). Last evaluated 2025-09-29.

Conditions:
Primary ciliary dyskinesia. Also called: Ciliary dyskinesia. Identifiers: Orphanet 244, MedGen C0008780, MONDO:0016575, HP:0012265.

Allele frequency attached by ClinVar (database versions not stated): gnomAD 0.00001; TOPMed 0.00002.
gnomAD v4.1: 3 of 1,239,556 alleles (0.00024%); highest among the groups gnomAD compares: African/African-American, 0.0032%; no homozygotes.

Submissions (2):

Labcorp Genetics (formerly Invitae), Labcorp
Classification: Uncertain significance for Primary ciliary dyskinesia. Last evaluated: 2025-09-29. Review status: criteria provided, single submitter. Criteria: Invitae Variant Classification Sherloc (09022015). Collection method: clinical testing. Allele origin: germline.
Comment: This sequence change replaces alanine, which is neutral and non-polar, with valine, which is neutral and non-polar, at codon 96 of the DNAAF5 protein (p.Ala96Val). This variant is not present in population databases (gnomAD no frequency). This variant has not been reported in the literature in individuals affected with DNAAF5-related conditions. ClinVar contains an entry for this variant (Variation ID: 2543831). Invitae Evidence Modeling of protein sequence and biophysical properties (such as structural, functional, and spatial information, amino acid conservation, physicochemical variation, residue mobility, and thermodynamic stability) indicates that this missense variant is expected to disrupt DNAAF5 protein function with a positive predictive value of 80%. In summary, the available evidence is currently insufficient to determine the role of this variant in disease. Therefore, it has been classified as a Variant of Uncertain Significance.

Ambry Genetics
Classification: Uncertain significance for Primary ciliary dyskinesia. Last evaluated: 2023-05-04. Review status: criteria provided, single submitter. Criteria: Ambry Variant Classification Scheme 2023. Collection method: clinical testing. Allele origin: germline.